The following is an entry in ClinVar:

NM_001348946.2(ABCB1):c.3768G>A (p.Thr1256=)

Gene: ABCB1 (ATP binding cassette subfamily B member 1; minus strand). Cytogenetic location: 7q21.12.
Variant type: single nucleotide variant.
Coding change: c.3768G>A on transcript NM_001348946.2 (MANE Select); coding-DNA position 3768, G replaced by A.
Protein change: p.Thr1256=; no amino-acid change (threonine 1256 retained).
Molecular consequence: synonymous variant.
Genome position (GRCh38, 1-based): chr7:87,504,318, C>T on the plus strand (G>A on the coding strand, the complement: ABCB1 is on the minus strand). VCF-style: chr7-87504318-C-T. GRCh37 (hg19) VCF-style: chr7-87133634-C-T.
Other names: c.3768G>A, p.Thr1256= (NM_000927.5, NM_001348944.2); c.3978G>A, p.Thr1326= (NM_001348945.2).
Identifiers: ClinVar variation 3053022 (VCV003053022.2), dbSNP rs149482536, ClinGen allele CA4327684.

ClinVar aggregate classification (germline): Likely benign (0 of 4 stars; one submission).

Conditions:
ABCB1-related disorder. Also called: ABCB1-related condition.

Allele frequency attached by ClinVar (database versions not stated): gnomAD 0.00021; TOPMed 0.00026; ExAC 0.00030; ESP Exome Variant Server 0.00038.
gnomAD v4.1: 493 of 1,613,930 alleles (0.031%); highest among the groups gnomAD compares: Non-Finnish European, 0.037%; no homozygotes.

Submission:

PreventionGenetics, part of Exact Sciences
Classification: Likely benign for ABCB1-related condition. Last evaluated: 2019-08-20. Review status: no assertion criteria provided. Collection method: clinical testing. Allele origin: germline.
Comment: This variant is classified as likely benign based on ACMG/AMP sequence variant interpretation guidelines (Richards et al. 2015 PMID: 25741868, with internal and published modifications).